The following is an entry in ClinVar:

ClinVar aggregate classification (germline): Uncertain significance. Review status: criteria provided, multiple submitters, no conflicts (2 of 4 stars). 2 submissions from 2 submitters: Uncertain significance (2). Last evaluated 2026-10-15.

Conditions:
Jeune thoracic dystrophy. Also called: Jeune syndrome; Infantile thoracic dystrophy; Thoracic pelvic phalangeal dystrophy; Jeune's syndrome; Chondroectodermal dysplasia-like syndrome; Short-rib thoracic dysplasia. Identifiers: Orphanet 474, MedGen C0265275, MONDO:0018770.
Asphyxiating thoracic dystrophy 3. Also called: SHORT-RIB THORACIC DYSPLASIA 3 WITH OR WITHOUT POLYDACTYLY; POLYDACTYLY WITH NEONATAL CHONDRODYSTROPHY, TYPE I; SHORT-RIB THORACIC DYSPLASIA 3/6 WITH POLYDACTYLY, DIGENIC; Short rib polydactyly syndrome 2B; Saldino-Noonan Syndrome. Identifiers: Orphanet 474, Orphanet 93269, Orphanet 93270, Orphanet 93271, MedGen C0036069, MONDO:0013127, OMIM 613091.

Allele frequency attached by ClinVar (database versions not stated): gnomAD exomes below 0.00001.
gnomAD v4.1: 2 of 1,613,024 alleles (0.00012%); highest among the groups gnomAD compares: South Asian, 0.0011%; no homozygotes.

Submissions (2):

Department of Molecular Genetics, Istishari Arab Hospital
Classification: Uncertain significance for Asphyxiating thoracic dystrophy 3. Last evaluated: 2026-10-15. Review status: criteria provided, single submitter. Criteria: ACMG Guidelines, 2015. Collection method: clinical testing. Allele origin: germline. Inheritance: Autosomal recessive inheritance. Affected: yes.
Comment: The DYNC2H1 variant c.7121T>C, p.Leu2374Ser causes an amino acid change from Leu to Ser at position 2374 in exon 43 (of 89). The variant is observed at an extremely low frequency in the gnomAD v4.1.0 dataset (total allele frequency: <0.00001) and, to the best of our knowledge, has not been reported in the literature. It is classified as a variant of uncertain significance based on the implementation of the ACMG/AMP/ClinGen SVI guidelines.

Labcorp Genetics (formerly Invitae), Labcorp
Classification: Uncertain significance for Jeune thoracic dystrophy. Last evaluated: 2021-08-13. Review status: criteria provided, single submitter. Criteria: Invitae Variant Classification Sherloc (09022015). Collection method: clinical testing. Allele origin: germline.
Comment: This sequence change replaces leucine with serine at codon 2374 of the DYNC2H1 protein (p.Leu2374Ser). The leucine residue is highly conserved and there is a large physicochemical difference between leucine and serine. This variant is not present in population databases (ExAC no frequency). This missense change has been observed in individual(s) with clinical features of DYNC2H1-related conditions (Invitae). Algorithms developed to predict the effect of missense changes on protein structure and function (SIFT, PolyPhen-2, Align-GVGD) all suggest that this variant is likely to be disruptive. In summary, the available evidence is currently insufficient to determine the role of this variant in disease. Therefore, it has been classified as a Variant of Uncertain Significance.

NM_001377.3(DYNC2H1):c.7121T>C (p.Leu2374Ser)

Gene: DYNC2H1 (dynein cytoplasmic 2 heavy chain 1; plus strand). Cytogenetic location: 11q22.3.
Variant type: single nucleotide variant.
Coding change: c.7121T>C on transcript NM_001377.3 (MANE Select); coding-DNA position 7121, T replaced by C.
Protein change: p.Leu2374Ser; replaces leucine 2374 with serine.
Molecular consequence: missense variant.
Genome position (GRCh38, 1-based): chr11:103,187,567, T>C. VCF-style: chr11-103187567-T-C. GRCh37 (hg19) VCF-style: chr11-103058296-T-C.
Other names: p.Leu2374Ser; c.7121T>C, p.Leu2374Ser (NM_001080463.2); short protein forms L2374S.
Identifiers: ClinVar variation 1518512 (VCV001518512.6), dbSNP rs969682915, ClinGen allele CA227405177.